The following is an entry in ClinVar:

NM_020987.5(ANK3):c.7963G>A (p.Asp2655Asn)

Gene: ANK3 (ankyrin 3; minus strand). Cytogenetic location: 10q21.2.
Variant type: single nucleotide variant.
Coding change: c.7963G>A on transcript NM_020987.5 (MANE Select); coding-DNA position 7963, G replaced by A.
Protein change: p.Asp2655Asn; replaces aspartic acid 2655 with asparagine.
Molecular consequence: missense variant. On other transcripts: intron variant (4).
Genome position (GRCh38, 1-based): chr10:60,072,918, C>T on the plus strand (G>A on the coding strand, the complement: ANK3 is on the minus strand). VCF-style: chr10-60072918-C-T. GRCh37 (hg19) VCF-style: chr10-61832676-C-T.
Other names: c.4388-4909G>A (NM_001204403.2); c.4409-4909G>A (NM_001204404.2); c.4406-4909G>A (NM_001320874.2); c.1808-4909G>A (NM_001149.4); short protein forms D2655N.
Identifiers: ClinVar variation 423848 (VCV000423848.2), dbSNP rs1064796657, ClinGen allele CA16618962.

ClinVar aggregate classification (germline): Uncertain significance (1 of 4 stars; one submission).

Allele frequency attached by ClinVar (database versions not stated): gnomAD exomes below 0.00001.
gnomAD v4.1: 3 of 1,614,072 alleles (0.00019%); highest among the groups gnomAD compares: Non-Finnish European, 0.00017%; no homozygotes.

Submission:

GeneDx
Classification: Uncertain significance. Last evaluated: 2017-03-02. Review status: criteria provided, single submitter. Criteria: GeneDx Variant Classification (06012015). Collection method: clinical testing. Allele origin: germline. Affected: yes.
Comment: The D2655N variant in the ANK3 gene has not been reported previously as a pathogenic variant, nor as a benign variant, to our knowledge. The D2655N variant is not observed in large population cohorts (Lek et al., 2016; 1000 Genomes Consortium et al., 2015; Exome Variant Server). The D2655N variant is a semi-conservative amino acid substitution, which may impact secondary protein structure as these residues differ in some properties. This substitution occurs at a position that is not conserved. In silico analysis is inconsistent in its predictions as to whether or not the variant is damaging to the protein structure/function. We interpret D2655N as a variant of uncertain significance.